The following is an entry in ClinVar:

ClinVar aggregate classification (germline): Uncertain significance (1 of 4 stars; one submission).

Conditions:
Hypertrophic cardiomyopathy. Also called: HYPERTROPHIC MYOCARDIOPATHY. Identifiers: Orphanet 217569, MedGen C0007194, MeSH D002312, MONDO:0005045, HP:0001639.

Submission:

Labcorp Genetics (formerly Invitae), Labcorp
Classification: Uncertain significance for Hypertrophic cardiomyopathy. Last evaluated: 2022-07-18. Review status: criteria provided, single submitter. Criteria: Invitae Variant Classification Sherloc (09022015). Collection method: clinical testing. Allele origin: germline.
Comment: This variant has not been reported in the literature in individuals affected with TPM1-related conditions. This variant is not present in population databases (gnomAD no frequency). This sequence change replaces glutamic acid, which is acidic and polar, with lysine, which is basic and polar, at codon 26 of the TPM1 protein (p.Glu26Lys). ClinVar contains an entry for this variant (Variation ID: 1345236). In summary, the available evidence is currently insufficient to determine the role of this variant in disease. Therefore, it has been classified as a Variant of Uncertain Significance. Algorithms developed to predict the effect of missense changes on protein structure and function are either unavailable or do not agree on the potential impact of this missense change (SIFT: "Deleterious"; PolyPhen-2: "Probably Damaging"; Align-GVGD: "Class C0").

NM_001018005.2(TPM1):c.76G>A (p.Glu26Lys)

Gene: TPM1 (tropomyosin 1; plus strand). Cytogenetic location: 15q22.2.
Variant type: single nucleotide variant.
Coding change: c.76G>A on transcript NM_001018005.2 (MANE Select); coding-DNA position 76, G replaced by A.
Protein change: p.Glu26Lys; replaces glutamic acid 26 with lysine.
Molecular consequence: missense variant.
Genome position (GRCh38, 1-based): chr15:63,042,905, G>A. VCF-style: chr15-63042905-G-A. GRCh37 (hg19) VCF-style: chr15-63335104-G-A.
Other names: c.76G>A, p.Glu26Lys (NM_000366.6, NM_001018004.2, NM_001018006.2 and 7 more transcripts); short protein forms E26K.
Identifiers: ClinVar variation 1345236 (VCV001345236.8), dbSNP rs2140595656, ClinGen allele CA392718076.